The following is an entry in ClinVar:

ClinVar aggregate classification (germline): Pathogenic (1 of 4 stars; one submission).

Conditions:
Hereditary nonpolyposis colorectal neoplasms. Identifiers: MedGen C0009405, MeSH D003123.

Submission:

Labcorp Genetics (formerly Invitae), Labcorp
Classification: Pathogenic for Hereditary nonpolyposis colon cancer. Last evaluated: 2019-12-23. Review status: criteria provided, single submitter. Criteria: Invitae Variant Classification Sherloc (09022015). Collection method: clinical testing. Allele origin: germline.
Comment: A gross deletion of the genomic region encompassing the full coding sequence of the PMS2 gene has been identified. The boundaries of this event are unknown as the deletion extends beyond the assayed region for this gene and therefore may encompass additional genes. Whole gene deletions of PMS2 have been reported in individuals affected with Lynch syndrome (PMID: 20186688, 17453009, 16472587). Loss-of-function variants in PMS2 are known to be pathogenic (PMID: 21376568, 24362816). For these reasons, this variant has been classified as Pathogenic.

Literature cited by the submitters: PubMed 17453009; PubMed 20186688; PubMed 16472587.

NC_000007.14:g.(?_5973399)_(5983001_?)del

Gene: PMS2 (PMS1 homolog 2, mismatch repair system component; minus strand). Cytogenetic location: 7p22.1.
Variant type: Deletion.
Identifiers: ClinVar variation 831236 (VCV000831236.1).